The following is an entry in ClinVar:

ClinVar aggregate classification (germline): Uncertain significance (1 of 4 stars; one submission).

gnomAD v4.1: 1 of 1,613,966 alleles (0.000062%); highest among the groups gnomAD compares: Non-Finnish European, 0.000085%; no homozygotes.

Submission:

Labcorp Genetics (formerly Invitae), Labcorp
Classification: Uncertain significance. Last evaluated: 2025-01-13. Review status: criteria provided, single submitter. Criteria: Invitae Variant Classification Sherloc (09022015). Collection method: clinical testing. Allele origin: germline.
Comment: This sequence change replaces aspartic acid, which is acidic and polar, with glutamic acid, which is acidic and polar, at codon 134 of the IHH protein (p.Asp134Glu). This variant is not present in population databases (gnomAD no frequency). This variant has not been reported in the literature in individuals affected with IHH-related conditions. Invitae Evidence Modeling of protein sequence and biophysical properties (such as structural, functional, and spatial information, amino acid conservation, physicochemical variation, residue mobility, and thermodynamic stability) indicates that this missense variant is expected to disrupt IHH protein function with a positive predictive value of 80%. In summary, the available evidence is currently insufficient to determine the role of this variant in disease. Therefore, it has been classified as a Variant of Uncertain Significance.

NM_002181.4(IHH):c.402C>G (p.Asp134Glu)

Gene: IHH (Indian hedgehog signaling molecule; minus strand). Cytogenetic location: 2q35.
Variant type: single nucleotide variant.
Coding change: c.402C>G on transcript NM_002181.4 (MANE Select); coding-DNA position 402, C replaced by G.
Protein change: p.Asp134Glu; replaces aspartic acid 134 with glutamic acid.
Molecular consequence: missense variant.
Genome position (GRCh38, 1-based): chr2:219,057,608, G>C on the plus strand (C>G on the coding strand, the complement: IHH is on the minus strand). VCF-style: chr2-219057608-G-C. GRCh37 (hg19) VCF-style: chr2-219922330-G-C.
Other names: short protein forms D134E.
Identifiers: ClinVar variation 3712052 (VCV003712052.2).